The following is an entry in ClinVar:

NM_015107.3(PHF8):c.2276G>C (p.Ser759Thr)

Gene: PHF8 (PHD finger protein 8; minus strand). Cytogenetic location: Xp11.22.
Variant type: single nucleotide variant.
Coding change: c.2276G>C on transcript NM_015107.3 (MANE Select); coding-DNA position 2276, G replaced by C.
Protein change: p.Ser759Thr; replaces serine 759 with threonine.
Molecular consequence: missense variant.
Genome position (GRCh38, 1-based): chrX:53,985,081, C>G on the plus strand (G>C on the coding strand, the complement: PHF8 is on the minus strand). VCF-style: chrX-53985081-C-G. GRCh37 (hg19) VCF-style: chrX-54011514-C-G.
Other names: c.2384G>C, p.Ser795Thr (NM_001184896.1, NM_001441097.1); c.1973G>C, p.Ser658Thr (NM_001184897.2); c.2225G>C, p.Ser742Thr (NM_001184898.2); c.2081G>C, p.Ser694Thr (NM_001441096.1, NM_001441098.1); short protein forms S658T, S694T, S759T, S742T, S795T.
Identifiers: ClinVar variation 4999696 (VCV004999696.1).
Genomic context (GRCh38, chrX:53,985,081, plus strand): 5'-GGCCGCTTCCCTGGGGTGCGCTGGGAAGCAGGACTGTTAGACACTGTGCCCAGCCCACTG[C>G]TGGAGCTCCCACTGCTTCGATCCTGTCCCCCAGTCCACCAGGCCTGCAGGCTAGAGGTAG-3'
Protein context (NP_055922.1, residues 749-769): GGQDRSSGSS[Ser759Thr]SGLGTVSNSP

ClinVar aggregate classification (germline): Uncertain significance (1 of 4 stars; one submission).

Conditions:
PHF8-related disorder. Also called: PHF8-related condition.

gnomAD v4.1: 1 of 1,211,458 alleles (0.000083%); highest among the groups gnomAD compares: East Asian, 0.003%; no homozygotes.

Submission:

PreventionGenetics, part of Exact Sciences
Classification: Uncertain significance for PHF8-related condition. Last evaluated: 2025-05-26. Review status: criteria provided, single submitter. Criteria: ACMG Guidelines, 2015. Collection method: clinical testing. Allele origin: germline.
Comment: The PHF8 c.2276G>C variant is predicted to result in the amino acid substitution p.Ser759Thr. To our knowledge, this variant has not been reported in the literature. This variant is reported in 0.0072% of alleles in individuals of East Asian descent in gnomAD. At this time, the clinical significance of this variant is uncertain due to the absence of conclusive functional and genetic evidence.